The following is an entry in ClinVar:

ClinVar aggregate classification (germline): Uncertain significance (1 of 4 stars; one submission).

Allele frequency attached by ClinVar (database versions not stated): gnomAD exomes 0.00001; TOPMed 0.00002; gnomAD 0.00004; ExAC 0.00008.
gnomAD v4.1: 53 of 1,557,536 alleles (0.0034%); highest among the groups gnomAD compares: Non-Finnish European, 0.0043%; no homozygotes.

Submission:

GeneDx
Classification: Uncertain significance. Last evaluated: 2020-11-18. Review status: criteria provided, single submitter. Criteria: GeneDx Variant Classification Process June 2021. Collection method: clinical testing. Allele origin: germline. Affected: yes.
Comment: In silico analysis supports that this missense variant does not alter protein structure/function; Has not been previously published as pathogenic or benign to our knowledge

NM_007118.4(TRIO):c.7355G>C (p.Gly2452Ala)

Gene: TRIO (trio Rho guanine nucleotide exchange factor; plus strand). Cytogenetic location: 5p15.2.
Variant type: single nucleotide variant.
Coding change: c.7355G>C on transcript NM_007118.4 (MANE Select); coding-DNA position 7355, G replaced by C.
Protein change: p.Gly2452Ala; replaces glycine 2452 with alanine.
Molecular consequence: missense variant.
Genome position (GRCh38, 1-based): chr5:14,487,983, G>C. VCF-style: chr5-14487983-G-C. GRCh37 (hg19) VCF-style: chr5-14488092-G-C.
Other names: short protein forms G2452A.
Identifiers: ClinVar variation 1207075 (VCV001207075.3), dbSNP rs749958296, ClinGen allele CA3207383.
Genomic context (GRCh38, chr5:14,487,983, plus strand): 5'-CCCCCGCCAAGGACGCGCGCGCTAGCCTGGGCACCCTGCCGCTTGGGAAGCCCCGGGCCG[G>C]GGCCGCTTCGCCGCTGAACTCGCCGCTCTCCAGCGCGGTCCCTTCTCTCGGCAAGGAGCC-3'
Protein context (NP_009049.2, residues 2442-2462): GTLPLGKPRA[Gly2452Ala]AASPLNSPLS